The following is an entry in ClinVar:

ClinVar aggregate classification (germline): Uncertain significance (1 of 4 stars; one submission).

Allele frequency attached by ClinVar (database versions not stated): TOPMed below 0.00001; gnomAD 0.00001; gnomAD exomes 0.00002.
gnomAD v4.1: 22 of 1,610,958 alleles (0.0014%); highest among the groups gnomAD compares: Non-Finnish European, 0.0019%; no homozygotes.

Submissions (2):

Labcorp Genetics (formerly Invitae), Labcorp
Classification: Uncertain significance. Last evaluated: 2025-05-07. Review status: criteria provided, single submitter. Criteria: Invitae Variant Classification Sherloc (09022015). Collection method: clinical testing. Allele origin: germline.
Comment: This sequence change replaces glycine, which is neutral and non-polar, with glutamic acid, which is acidic and polar, at codon 1922 of the FAT4 protein (p.Gly1922Glu). This variant is present in population databases (no rsID available, gnomAD 0.003%). This variant has not been reported in the literature in individuals affected with FAT4-related conditions. ClinVar contains an entry for this variant (Variation ID: 1384398). Invitae Evidence Modeling of protein sequence and biophysical properties (such as structural, functional, and spatial information, amino acid conservation, physicochemical variation, residue mobility, and thermodynamic stability) indicates that this missense variant is not expected to disrupt FAT4 protein function with a negative predictive value of 95%. Algorithms developed to predict the effect of sequence changes on RNA splicing suggest that this variant may create or strengthen a splice site. In summary, the available evidence is currently insufficient to determine the role of this variant in disease. Therefore, it has been classified as a Variant of Uncertain Significance.

Dr. Peter K. Rogan Lab, Western University
No classification provided (evidence only). Condition: Gastric cancer. Review status: no classification provided. Collection method: in vitro. Allele origin: not applicable. Functional consequence: retained intron. Not counted in ClinVar's aggregate classification.

NM_001291303.3(FAT4):c.5765G>A (p.Gly1922Glu)

Gene: FAT4 (FAT atypical cadherin 4; plus strand). Cytogenetic location: 4q28.1.
Variant type: single nucleotide variant.
Coding change: c.5765G>A on transcript NM_001291303.3 (MANE Select); coding-DNA position 5765, G replaced by A.
Protein change: p.Gly1922Glu; replaces glycine 1922 with glutamic acid.
Molecular consequence: missense variant.
Genome position (GRCh38, 1-based): chr4:125,408,639, G>A. VCF-style: chr4-125408639-G-A. GRCh37 (hg19) VCF-style: chr4-126329794-G-A.
Other names: c.5765G>A, p.Gly1922Glu (NM_001291285.3, NM_024582.6); short protein forms G1922E.
Identifiers: ClinVar variation 1384398 (VCV001384398.8), dbSNP rs1471557300, ClinGen allele CA358123528.